The following is an entry in ClinVar:

NM_006950.3(SYN1):c.1063C>T (p.Leu355=)

Gene: SYN1 (synapsin I; minus strand). Cytogenetic location: Xp11.3.
Variant type: single nucleotide variant.
Coding change: c.1063C>T on transcript NM_006950.3 (MANE Select); coding-DNA position 1063, C replaced by T.
Protein change: p.Leu355=; no amino-acid change (leucine 355 retained).
Molecular consequence: synonymous variant.
Genome position (GRCh38, 1-based): chrX:47,576,226, G>A on the plus strand (C>T on the coding strand, the complement: SYN1 is on the minus strand). VCF-style: chrX-47576226-G-A. GRCh37 (hg19) VCF-style: chrX-47435625-G-A.
Other names: c.1063C>T, p.Leu355= (NM_133499.2).
Identifiers: ClinVar variation 465085 (VCV000465085.22), dbSNP rs191822319, ClinGen allele CA10398414.

ClinVar aggregate classification (germline): Likely benign. Review status: criteria provided, multiple submitters, no conflicts (2 of 4 stars). 5 submissions from 5 submitters: Likely benign (5). Last evaluated 2026-01-01.

Conditions:
Inborn genetic diseases. Identifiers: MedGen C0950123, MeSH D030342.
Epilepsy, X-linked 1, with variable learning disabilities and behavior disorders. Also called: X-linked epilepsy-learning disabilities-behavior disorders syndrome. Identifiers: Orphanet 85294, MedGen C5774177, MONDO:0010339, OMIM 300491.

Allele frequency attached by ClinVar (database versions not stated): ESP Exome Variant Server 0.00009; gnomAD exomes 0.00010 and 0.00021; ExAC 0.00015; gnomAD 0.00025 and 0.00026; TOPMed 0.00028; 1000 Genomes Project 30x 0.00042; 1000 Genomes Project 0.00053.
gnomAD v4.1: 134 of 1,199,988 alleles (0.011%); highest among the groups gnomAD compares: Middle Eastern, 0.092%; no homozygotes.

Submissions (5):

CeGaT Center for Human Genetics Tuebingen
Classification: Likely benign. Last evaluated: 2026-01-01. Review status: criteria provided, single submitter. Criteria: CeGaT Center For Human Genetics Tuebingen Variant Classification Criteria Version 2. Collection method: clinical testing. Allele origin: germline. Affected: yes. Observed: 1 variant allele.
Comment: SYN1: BP4, BP7, BS2

Labcorp Genetics (formerly Invitae), Labcorp
Classification: Likely benign for Epilepsy, X-linked 1, with variable learning disabilities and behavior disorders. Last evaluated: 2025-12-27. Review status: criteria provided, single submitter. Criteria: Invitae Variant Classification Sherloc (09022015). Collection method: clinical testing. Allele origin: germline.

Blueprint Genetics
Classification: Likely benign. Last evaluated: 2024-10-14. Review status: criteria provided, single submitter. Criteria: ACMG Guidelines, 2015. Collection method: clinical testing. Allele origin: germline.

Genetic Services Laboratory, University of Chicago
Classification: Likely benign. Last evaluated: 2017-11-28. Review status: criteria provided, single submitter. Criteria: ACMG Guidelines, 2015. Collection method: clinical testing. Allele origin: germline. Affected: no.

Ambry Genetics
Classification: Likely benign for Inborn genetic diseases. Last evaluated: 2017-11-01. Review status: criteria provided, single submitter. Criteria: Ambry Variant Classification Scheme 2023. Collection method: clinical testing. Allele origin: germline.